The following is an entry in ClinVar:

NM_021035.3(ZNFX1):c.938C>T (p.Thr313Ile)

Gene: ZNFX1 (zinc finger NFX1-type containing 1; minus strand). Cytogenetic location: 20q13.13.
Variant type: single nucleotide variant.
Coding change: c.938C>T on transcript NM_021035.3 (MANE Select); coding-DNA position 938, C replaced by T.
Protein change: p.Thr313Ile; replaces threonine 313 with isoleucine.
Molecular consequence: missense variant.
Genome position (GRCh38, 1-based): chr20:49,270,874, G>A on the plus strand (C>T on the coding strand, the complement: ZNFX1 is on the minus strand). VCF-style: chr20-49270874-G-A. GRCh37 (hg19) VCF-style: chr20-47887411-G-A.
Other names: short protein forms T313I.
Identifiers: ClinVar variation 2210768 (VCV002210768.4), dbSNP rs141798064, ClinGen allele CA9902582.

ClinVar aggregate classification (germline): Uncertain significance. Review status: criteria provided, multiple submitters, no conflicts (2 of 4 stars). 2 submissions from 2 submitters: Uncertain significance (2). Last evaluated 2025-05-04.

Conditions:
Inborn genetic diseases. Identifiers: MedGen C0950123, MeSH D030342.

Allele frequency attached by ClinVar (database versions not stated): 1000 Genomes Project 0.00020; ExAC 0.00021; TOPMed 0.00011; ESP Exome Variant Server 0.00015; 1000 Genomes Project 30x 0.00016; gnomAD exomes 0.00016; gnomAD 0.00017.
gnomAD v4.1: 246 of 1,614,116 alleles (0.015%); highest among the groups gnomAD compares: Non-Finnish European, 0.015%; no homozygotes.

Submissions (2):

Ambry Genetics
Classification: Uncertain significance for Inborn genetic diseases. Last evaluated: 2025-05-04. Review status: criteria provided, single submitter. Criteria: Ambry Variant Classification Scheme 2023. Collection method: clinical testing. Allele origin: germline.

GeneDx
Classification: Uncertain significance. Last evaluated: 2025-03-27. Review status: criteria provided, single submitter. Criteria: GeneDx Variant Classification Process June 2021. Collection method: clinical testing. Allele origin: germline. Affected: yes.
Comment: In silico analysis supports that this missense variant has a deleterious effect on protein structure/function; Has not been previously published as pathogenic or benign to our knowledge